The following is an entry in ClinVar:

NM_000018.4(ACADVL):c.210dup (p.Lys71Ter)

Gene: ACADVL (acyl-CoA dehydrogenase very long chain; plus strand). Cytogenetic location: 17p13.1.
Variant type: Duplication.
Coding change: c.210dup on transcript NM_000018.4 (MANE Select); coding-DNA position 210, one base duplicated (T; older notation c.210dupT).
Protein change: p.Lys71Ter; replaces lysine 71 with a stop codon.
Molecular consequence: nonsense. On other transcripts: 5 prime UTR variant (1).
Genome position (GRCh38, 1-based): chr17:7,220,609, T duplicated. VCF-style (leftmost placement, unchanged base first): chr17-7220608-C-CT. GRCh37 (hg19) VCF-style: chr17-7123927-C-CT.
Other names: NM_000018.4(ACADVL):c.210dup; p.Lys71Ter; c.144dup, p.Lys49Ter (NM_001033859.3); c.279dup, p.Lys94Ter (NM_001270447.2); c.-19dup (NM_001270448.2); short protein forms K71*, K94*, K49*.
Identifiers: ClinVar variation 203588 (VCV000203588.3), dbSNP rs796051912, ClinGen allele CA312282.

ClinVar aggregate classification (germline): Likely pathogenic. Review status: reviewed by expert panel (3 of 4 stars). 2 submissions from 2 submitters: Likely pathogenic (1). 1 of the submissions does not count toward it. Last evaluated 2022-04-06.

Conditions:
Very long chain acyl-CoA dehydrogenase deficiency (ACADVLD). Also called: Very Long-Chain Acyl-Coenzyme A Dehydrogenase Deficiency; VLCAD Deficiency. Identifiers: Orphanet 26793, MedGen C3887523, MONDO:0008723, OMIM 201475.

Submissions (2):

ClinGen ACADVL Variant Curation Expert Panel, ClinGen
Classification: Likely pathogenic for Very long chain acyl-CoA dehydrogenase deficiency. Last evaluated: 2022-04-06. Review status: reviewed by expert panel. Criteria: clingen acadvl acmg specifications v1. Collection method: curation. Allele origin: germline. Inheritance: Autosomal recessive inheritance.
Comment: The c.210dup (p.Lys71Ter) variant in ACADVL is a frameshift predicted to cause a premature stop codon in biologically relevant exon 4/20 leading to nonsense mediated decay in a gene in which loss-of-function is an established disease mechanism (PVS1: PMIDs 9973285, 11590124). This variant is absent from gnomAD v2.1.1 (PM2_Supporting). To our knowledge, functional assays have not been reported for this variant. To our knowledge, this variant has not been reported in the literature in any individuals with VLCAD deficiency. In summary, this variant meets the criteria to be classified as LIKELY PATHOGENIC for autosomal recessive very long chain acyl-CoA dehydrogenase (VLCAD) deficiency based on the ACMG/AMP criteria applied, as specified by the ClinGen ACADVL Variant Curation Expert Panel: PVS1, PM2_Supporting, (ACADVL VCEP specifications v2.0; Approved on 03/11/2021).

GeneDx
Classification: Pathogenic. Last evaluated: 2014-09-19. Review status: criteria provided, single submitter. Criteria: GeneDx Variant Classification (06012015). Collection method: clinical testing. Allele origin: germline. Affected: yes. Not counted in ClinVar's aggregate classification.
Comment: The c.210dupT mutation results in the normal codon, Lysine 71, being replaced by a Stop codon, denoted p.K71X. The sequence shown with the duplicated base in braces is: AATC{T}AAGT. This mutation is predicted to cause loss of normal protein function either through protein truncation or nonsense-mediated mRNA decay. Although this mutation has not been previously reported to our knowledge, c.210dupT is predicted to be pathogenic mutation. The variant is found in ACADVL panel(s).